The following is an entry in ClinVar:

ClinVar aggregate classification (germline): Benign/Likely benign. Review status: criteria provided, multiple submitters, no conflicts (2 of 4 stars). 5 submissions from 5 submitters: Benign (3); Likely benign (2). Last evaluated 2026-01-28.

Allele frequency attached by ClinVar (database versions not stated): gnomAD exomes 0.00018 and 0.00047; ExAC 0.00062; ESP Exome Variant Server 0.00177; gnomAD 0.00188 and 0.00207; TOPMed 0.00192; 1000 Genomes Project 30x 0.00203; 1000 Genomes Project 0.00220.
gnomAD v4.1: 558 of 1,614,048 alleles (0.035%); highest among the groups gnomAD compares: African/African-American, 0.66%; 1 homozygote.

Submissions (5):

Labcorp Genetics (formerly Invitae), Labcorp
Classification: Benign. Last evaluated: 2026-01-28. Review status: criteria provided, single submitter. Criteria: Invitae Variant Classification Sherloc (09022015). Collection method: clinical testing. Allele origin: germline.

Mayo Clinic Laboratories, Mayo Clinic
Classification: Likely benign. Last evaluated: 2025-02-25. Review status: criteria provided, single submitter. Criteria: ACMG Guidelines, 2015. Collection method: clinical testing. Allele origin: germline. Observed: 3 variant alleles.
Comment: BA1, BP4, BP7

Blueprint Genetics
Classification: Likely benign. Last evaluated: 2024-08-06. Review status: criteria provided, single submitter. Criteria: ACMG Guidelines, 2015. Collection method: clinical testing. Allele origin: germline.

GeneDx
Classification: Benign. Last evaluated: 2018-12-11. Review status: criteria provided, single submitter. Criteria: GeneDx Variant Classification Process June 2021. Collection method: clinical testing. Allele origin: germline. Affected: yes.

Breakthrough Genomics
Classification: Benign. Review status: criteria provided, single submitter. Criteria: ACMG Guidelines, 2015. Collection method: not provided. Allele origin: germline. Inheritance: Autosomal dominant inheritance. Affected: yes.

NM_172362.3(KCNH1):c.1500T>G (p.Thr500=)

Gene: KCNH1 (potassium voltage-gated channel subfamily H member 1; minus strand). Cytogenetic location: 1q32.2.
Variant type: single nucleotide variant.
Coding change: c.1500T>G on transcript NM_172362.3 (MANE Select); coding-DNA position 1500, T replaced by G.
Protein change: p.Thr500=; no amino-acid change (threonine 500 retained).
Molecular consequence: synonymous variant.
Genome position (GRCh38, 1-based): chr1:210,804,129, A>C on the plus strand (T>G on the coding strand, the complement: KCNH1 is on the minus strand). VCF-style: chr1-210804129-A-C. GRCh37 (hg19) VCF-style: chr1-210977471-A-C.
Other names: p.Thr500=; c.1419T>G, p.Thr473= (NM_002238.4).
Identifiers: ClinVar variation 707570 (VCV000707570.14), dbSNP rs75867447, ClinGen allele CA1379866.